The following is an entry in ClinVar:

ClinVar aggregate classification (germline): Uncertain significance (1 of 4 stars; one submission).

Conditions:
FG syndrome (FGS). Identifiers: MedGen C0220769, MONDO:0002010.

gnomAD v4.1: 2 of 1,208,448 alleles (0.00017%); highest among the groups gnomAD compares: Non-Finnish European, 0.00022%; no homozygotes.

Submission:

Labcorp Genetics (formerly Invitae), Labcorp
Classification: Uncertain significance for FG syndrome. Last evaluated: 2024-03-02. Review status: criteria provided, single submitter. Criteria: Invitae Variant Classification Sherloc (09022015). Collection method: clinical testing. Allele origin: germline.
Comment: This sequence change replaces alanine, which is neutral and non-polar, with valine, which is neutral and non-polar, at codon 563 of the MED12 protein (p.Ala563Val). This variant is not present in population databases (gnomAD no frequency). This variant has not been reported in the literature in individuals affected with MED12-related conditions. Advanced modeling of protein sequence and biophysical properties (such as structural, functional, and spatial information, amino acid conservation, physicochemical variation, residue mobility, and thermodynamic stability) performed at Invitae indicates that this missense variant is not expected to disrupt MED12 protein function with a negative predictive value of 95%. In summary, the available evidence is currently insufficient to determine the role of this variant in disease. Therefore, it has been classified as a Variant of Uncertain Significance.

NM_005120.3(MED12):c.1688C>T (p.Ala563Val)

Genes: MED12 (mediator complex subunit 12; plus strand), LOC126863275 (BRD4-independent group 4 enhancer GRCh37_chrX:70342400-70343599; plus strand). Cytogenetic location: Xq13.1.
Variant type: single nucleotide variant.
Coding change: c.1688C>T on transcript NM_005120.3 (MANE Select); coding-DNA position 1688, C replaced by T.
Protein change: p.Ala563Val; replaces alanine 563 with valine.
Molecular consequence: missense variant.
Genome position (GRCh38, 1-based): chrX:71,123,664, C>T. VCF-style: chrX-71123664-C-T. GRCh37 (hg19) VCF-style: chrX-70343514-C-T.
Other names: short protein forms A563V.
Identifiers: ClinVar variation 3614711 (VCV003614711.2).